The following is an entry in ClinVar:

ClinVar aggregate classification (germline): Uncertain significance. Review status: criteria provided, multiple submitters, no conflicts (2 of 4 stars). 4 submissions from 4 submitters: Uncertain significance (4). Last evaluated 2024-12-02.

Conditions:
Infantile nephronophthisis (NPHP2). Also called: Nephronophthisis 2, infantile; Nephronophthisis 2. Identifiers: Orphanet 655, Orphanet 93591, MedGen C1865872, MONDO:0011190, OMIM 602088.
Nephronophthisis. Also called: Juvenile Nephronophthisis. Identifiers: Orphanet 655, MedGen C0687120, MONDO:0019005, HP:0000090.
Inborn genetic diseases. Identifiers: MedGen C0950123, MeSH D030342.

Allele frequency attached by ClinVar (database versions not stated): gnomAD exomes below 0.00001; gnomAD 0.00003 and 0.00004; TOPMed 0.00003.
gnomAD v4.1: 6 of 1,613,472 alleles (0.00037%); highest among the groups gnomAD compares: African/African-American, 0.008%; no homozygotes.

Submissions (4):

Labcorp Genetics (formerly Invitae), Labcorp
Classification: Uncertain significance for Nephronophthisis. Last evaluated: 2024-12-02. Review status: criteria provided, single submitter. Criteria: Invitae Variant Classification Sherloc (09022015). Collection method: clinical testing. Allele origin: germline.
Comment: This sequence change replaces cysteine, which is neutral and slightly polar, with tyrosine, which is neutral and polar, at codon 497 of the INVS protein (p.Cys497Tyr). This variant is not present in population databases (gnomAD no frequency). This missense change has been observed in individual(s) with clinical features of INVS-related conditions (internal data). ClinVar contains an entry for this variant (Variation ID: 531632). An algorithm developed to predict the effect of missense changes on protein structure and function (PolyPhen-2) suggests that this variant is likely to be disruptive. In summary, the available evidence is currently insufficient to determine the role of this variant in disease. Therefore, it has been classified as a Variant of Uncertain Significance.

Fulgent Genetics
Classification: Uncertain significance for Infantile nephronophthisis. Last evaluated: 2024-06-17. Review status: criteria provided, single submitter. Criteria: ACMG Guidelines, 2015. Collection method: clinical testing. Allele origin: germline.

Ambry Genetics
Classification: Uncertain significance for Inborn genetic diseases. Last evaluated: 2024-01-23. Review status: criteria provided, single submitter. Criteria: Ambry Variant Classification Scheme 2023. Collection method: clinical testing. Allele origin: germline.

Eurofins Ntd Llc (ga)
Classification: Uncertain significance. Last evaluated: 2018-06-07. Review status: criteria provided, single submitter. Criteria: EGL ClinVar v180209 classification definitions. Collection method: clinical testing. Allele origin: germline. Observed: 1 variant allele, 1 heterozygote.

NM_014425.5(INVS):c.1490G>A (p.Cys497Tyr)

Gene: INVS (inversin; plus strand). Cytogenetic location: 9q31.1.
Variant type: single nucleotide variant.
Coding change: c.1490G>A on transcript NM_014425.5 (MANE Select); coding-DNA position 1490, G replaced by A.
Protein change: p.Cys497Tyr; replaces cysteine 497 with tyrosine.
Molecular consequence: missense variant. On other transcripts: non-coding transcript variant (1).
Genome position (GRCh38, 1-based): chr9:100,264,847, G>A. VCF-style: chr9-100264847-G-A. GRCh37 (hg19) VCF-style: chr9-103027129-G-A.
Other names: c.1202G>A, p.Cys401Tyr (NM_001318381.2); c.512G>A, p.Cys171Tyr (NM_001318382.2); c.1490G>A (NM_014425.2); short protein forms C497Y, C171Y, C401Y.
Identifiers: ClinVar variation 531632 (VCV000531632.10), dbSNP rs1296545586, ClinGen allele CA374236465.